The following is an entry in ClinVar:

ClinVar aggregate classification (germline): Benign (1 of 4 stars; one submission).

Allele frequency attached by ClinVar (database versions not stated): 1000 Genomes Project 30x 0.35400; 1000 Genomes Project 0.36002; TOPMed 0.47076; gnomAD 0.49983 and 0.49990.
gnomAD v4.1: 76,269 of 152,086 alleles (50%); highest among the groups gnomAD compares: Non-Finnish European, 71%; 23,906 homozygotes.

Submission:

GeneDx
Classification: Benign. Last evaluated: 2018-06-14. Review status: criteria provided, single submitter. Criteria: GeneDx Variant Classification (06012015). Collection method: clinical testing. Allele origin: germline. Affected: yes.
Comment: This variant is considered likely benign or benign based on one or more of the following criteria: it is a conservative change, it occurs at a poorly conserved position in the protein, it is predicted to be benign by multiple in silico algorithms, and/or has population frequency not consistent with disease.

NM_020166.5(MCCC1):c.1731+276G>T

Gene: MCCC1 (methylcrotonyl-CoA carboxylase subunit 1; minus strand). Cytogenetic location: 3q27.1.
Variant type: single nucleotide variant.
Coding change: c.1731+276G>T on transcript NM_020166.5 (MANE Select); 276 bases into the intron after coding-DNA position 1731, G replaced by T.
Molecular consequence: intron variant.
Genome position (GRCh38, 1-based): chr3:183,025,479, C>A on the plus strand (G>T on the coding strand, the complement: MCCC1 is on the minus strand). VCF-style: chr3-183025479-C-A. GRCh37 (hg19) VCF-style: chr3-182743267-C-A.
Other names: c.1404+276G>T (NM_001363880.1); c.1380+276G>T (NM_001293273.2).
Identifiers: ClinVar variation 684206 (VCV000684206.1), dbSNP rs7640612, ClinGen allele CA15263896.
Genomic context (GRCh38, chr3:183,025,479, plus strand): 5'-TGTACAGTTCCTGAGACAAAAAATGTGAAAACTGCTGCTTTTGCTGTAAATACAGGCACA[C>A]ACTTTAGGGGCTTGTGAATGTCTGATTTGAGCTTTTACTTTTTGCCAAGTTTTTATTCTT-3'